The following is an entry in ClinVar:

NM_003664.5(AP3B1):c.648G>A (p.Pro216=)

Gene: AP3B1 (adaptor related protein complex 3 subunit beta 1; minus strand). Cytogenetic location: 5q14.1.
Variant type: single nucleotide variant.
Coding change: c.648G>A on transcript NM_003664.5 (MANE Select); coding-DNA position 648, G replaced by A.
Protein change: p.Pro216=; no amino-acid change (proline 216 retained).
Molecular consequence: synonymous variant.
Genome position (GRCh38, 1-based): chr5:78,216,193, C>T on the plus strand (G>A on the coding strand, the complement: AP3B1 is on the minus strand). VCF-style: chr5-78216193-C-T. GRCh37 (hg19) VCF-style: chr5-77512017-C-T.
Other names: p.Pro216=; c.501G>A, p.Pro167= (NM_001271769.2).
Identifiers: ClinVar variation 756655 (VCV000756655.12), dbSNP rs773924247, ClinGen allele CA3317311.

ClinVar aggregate classification (germline): Likely benign. Review status: criteria provided, multiple submitters, no conflicts (2 of 4 stars). 3 submissions from 3 submitters: Likely benign (3). Last evaluated 2025-12-07.

Conditions:
Hermansky-Pudlak syndrome 2 (HPS2). Also called: Platelet defects and oculocutaneous albinism. Identifiers: Orphanet 183678, Orphanet 79430, MedGen C1842362, MONDO:0011997, OMIM 608233.

Allele frequency attached by ClinVar (database versions not stated): gnomAD exomes 0.00002 and 0.00008; TOPMed 0.00003; gnomAD 0.00004 and 0.00005; ExAC 0.00009.
gnomAD v4.1: 45 of 1,613,892 alleles (0.0028%); highest among the groups gnomAD compares: East Asian, 0.036%; no homozygotes.

Submissions (3):

Mayo Clinic Laboratories, Mayo Clinic
Classification: Likely benign. Last evaluated: 2025-12-07. Review status: criteria provided, single submitter. Criteria: ACMG Guidelines, 2015. Collection method: clinical testing. Allele origin: germline. Observed: 1 variant allele.
Comment: BP4, BP7

Blueprint Genetics
Classification: Likely benign. Last evaluated: 2024-10-09. Review status: criteria provided, single submitter. Criteria: ACMG Guidelines, 2015. Collection method: clinical testing. Allele origin: germline.

Labcorp Genetics (formerly Invitae), Labcorp
Classification: Likely benign for Hermansky-Pudlak syndrome 2. Last evaluated: 2024-07-29. Review status: criteria provided, single submitter. Criteria: Invitae Variant Classification Sherloc (09022015). Collection method: clinical testing. Allele origin: germline.